The following is an entry in ClinVar:

ClinVar aggregate classification (germline): Uncertain significance (1 of 4 stars; one submission).

Conditions:
Hereditary spastic paraplegia 39 (SPG39). Also called: SPASTIC PARAPLEGIA 39, AUTOSOMAL RECESSIVE; Spastic Paraplegia Type 39 (SPG39). Identifiers: Orphanet 139480, MedGen C2677586, MONDO:0012787, OMIM 612020.

Allele frequency attached by ClinVar (database versions not stated): TOPMed below 0.00001; gnomAD exomes 0.00001; ExAC 0.00002.

Submission:

Labcorp Genetics (formerly Invitae), Labcorp
Classification: Uncertain significance for Hereditary spastic paraplegia 39. Last evaluated: 2025-08-23. Review status: criteria provided, single submitter. Criteria: Invitae Variant Classification Sherloc (09022015). Collection method: clinical testing. Allele origin: germline.
Comment: This sequence change replaces glycine, which is neutral and non-polar, with serine, which is neutral and polar, at codon 318 of the PNPLA6 protein (p.Gly318Ser). The frequency data for this variant in the population databases is considered unreliable, as metrics indicate poor data quality at this position in the gnomAD database. This variant has not been reported in the literature in individuals affected with PNPLA6-related conditions. ClinVar contains an entry for this variant (Variation ID: 1425534). Invitae Evidence Modeling of protein sequence and biophysical properties (such as structural, functional, and spatial information, amino acid conservation, physicochemical variation, residue mobility, and thermodynamic stability) indicates that this missense variant is not expected to disrupt PNPLA6 protein function with a negative predictive value of 80%. In summary, the available evidence is currently insufficient to determine the role of this variant in disease. Therefore, it has been classified as a Variant of Uncertain Significance.

NM_001166114.2(PNPLA6):c.1069G>A (p.Gly357Ser)

Gene: PNPLA6 (patatin like domain 6, lysophospholipase; plus strand). Cytogenetic location: 19p13.2.
Variant type: single nucleotide variant.
Coding change: c.1069G>A on transcript NM_001166114.2 (MANE Select); coding-DNA position 1069, G replaced by A.
Protein change: p.Gly357Ser; replaces glycine 357 with serine.
Molecular consequence: missense variant.
Genome position (GRCh38, 1-based): chr19:7,541,585, G>A. VCF-style: chr19-7541585-G-A. GRCh37 (hg19) VCF-style: chr19-7606471-G-A.
Other names: c.1096G>A, p.Gly366Ser (NM_001166111.2); c.952G>A, p.Gly318Ser (NM_001166112.2, NM_001166113.1, NM_006702.5); short protein forms G366S, G318S, G357S.
Identifiers: ClinVar variation 1425534 (VCV001425534.6), dbSNP rs753225629, ClinGen allele CA9139669.